The following is an entry in ClinVar:

NM_002016.2(FLG):c.1459del (p.Thr487fs)

Genes: CCDST (cervical cancer associated DHX9 suppressive transcript; plus strand), FLG (filaggrin; minus strand). Cytogenetic location: 1q21.3.
Variant type: Deletion.
Coding change: c.1459del on transcript NM_002016.2 (MANE Select); coding-DNA position 1459, one base deleted (A; older notation c.1459delA).
Protein change: p.Thr487fs; shifts the reading frame from threonine 487.
Molecular consequence: frameshift variant.
Genome position (GRCh38, 1-based): chr1:152,313,427, T deleted on the plus strand (A on the coding strand, the reverse complement: FLG is on the minus strand). VCF-style (leftmost placement, unchanged base first): chr1-152313426-GT-G. GRCh37 (hg19) VCF-style: chr1-152285902-GT-G.
Other names: short protein forms T487fs.
Identifiers: ClinVar variation 4813817 (VCV004813817.1).
Genomic context (GRCh38, chr1:152,313,426, plus strand): 5'-GAATGCCTGGAGCTGTCTCGTGCCTGCTCGTGGTGCGATCCTTGTCTTCCTCCAGTGCTG[GT>G]CCCGGTCCGTCCATGGGCAGAGTCAGGCTGTTCATGAGTGCTCACCTGGTAGAGGGAAGA-3'

ClinVar aggregate classification (germline): Likely pathogenic (1 of 4 stars; one submission).

Conditions:
Autosomal dominant and autosomal recessive FLG-related disorders.

Submission:

Variantyx, Inc.
Classification: Likely pathogenic for Autosomal dominant and autosomal recessive FLG-related disorders. Last evaluated: 2025-06-30. Review status: criteria provided, single submitter. Criteria: Variantyx Assertion Criteria 2022. Collection method: clinical testing. Allele origin: germline. Inheritance: Semidominant inheritance. Affected: yes.
Comment: This is a frameshift variant in the FLG gene (OMIM: 135940). Pathogenic variants in this gene have been associated with autosomal semidominant FLG-related disorders. This variant introduces a premature termination codon in exon 3 out of 3 and is expected to result in loss of function, which is a known disease mechanism for FLG in this disorder (PMID: 27678121, 21428977, 24608987) (PVS1). This variant has a 0.0001% maximum allele frequency in non-founder control populations (PM2) and it has not been reported in individuals with FLG-related disorders in the databases available for review. Based on the current evidence, this variant is classified as likely pathogenic for autosomal dominant and autosomal recessive FLG-related disorders.

Literature cited by the submitters: PubMed 27678121; PubMed 21428977; PubMed 24608987.